The following is an entry in ClinVar:

NM_001009944.3(PKD1):c.4177C>T (p.Gln1393Ter)

Gene: PKD1 (polycystin 1, transient receptor potential channel interacting; minus strand). Cytogenetic location: 16p13.3.
Variant type: single nucleotide variant.
Coding change: c.4177C>T on transcript NM_001009944.3 (MANE Select); coding-DNA position 4177, C replaced by T.
Protein change: p.Gln1393Ter; replaces glutamine 1393 with a stop codon.
Molecular consequence: nonsense.
Genome position (GRCh38, 1-based): chr16:2,110,990, G>A on the plus strand (C>T on the coding strand, the complement: PKD1 is on the minus strand). VCF-style: chr16-2110990-G-A. GRCh37 (hg19) VCF-style: chr16-2160991-G-A.
Other names: c.4177C>T, p.Gln1393Ter (NM_000296.4); c.4177C>T (NM_001009944.2); short protein forms Q1393*.
Identifiers: ClinVar variation 618796 (VCV000618796.11), dbSNP rs1567201083, ClinGen allele CA394381296.

ClinVar aggregate classification (germline): Pathogenic. Review status: criteria provided, multiple submitters, no conflicts (2 of 4 stars). 3 submissions from 3 submitters: Pathogenic (2). 1 of the submissions does not count toward it. Last evaluated 2022-02-11.

Conditions:
PKD1-related disorder. Also called: PKD1-related condition.
Polycystic kidney disease, adult type (PKD1). Also called: Polycystic Kidney Disease 1, Autosomal Dominant; Polycystic kidney disease 1; Polycystic kidney disease 1, severe; POLYCYSTIC KIDNEY DISEASE 1 WITH OR WITHOUT POLYCYSTIC LIVER DISEASE; Polycystic Kidney, Autosomal Dominant; POLYCYSTIC KIDNEY DISEASE, ADULT, TYPE I. Identifiers: MedGen C3149841, MONDO:0008263, OMIM 173900.

Submissions (3):

Fulgent Genetics
Classification: Pathogenic for Polycystic kidney disease, adult type. Last evaluated: 2022-02-11. Review status: criteria provided, single submitter. Criteria: ACMG Guidelines, 2015. Collection method: clinical testing. Allele origin: unknown.

ARUP Laboratories, Molecular Genetics and Genomics, ARUP Laboratories
Classification: Pathogenic. Last evaluated: 2017-06-28. Review status: criteria provided, single submitter. Criteria: ARUP Molecular Germline Variant Investigation Process. Collection method: clinical testing. Allele origin: germline.

PreventionGenetics, part of Exact Sciences
Classification: Pathogenic for PKD1-related condition. Last evaluated: 2023-10-30. Review status: no assertion criteria provided. Collection method: clinical testing. Allele origin: germline. Not counted in ClinVar's aggregate classification.
Comment: The PKD1 c.4177C>T variant is predicted to result in premature protein termination (p.Gln1393*). This variant has been reported in individuals with polycystic kidney disease (He et al. 2018. PubMed ID: 30333007; Zacchia et al. 2021. PubMed ID: 33964006). This variant has not been reported in a large population database, indicating this variant is rare. Nonsense variants in PKD1 are expected to be pathogenic. This variant is interpreted as pathogenic.